The following is an entry in ClinVar:

ClinVar aggregate classification (germline): Conflicting classifications of pathogenicity. Review status: criteria provided, conflicting classifications (1 of 4 stars). 2 submissions from 2 submitters: Uncertain significance (1); Likely benign (1). Last evaluated 2025-12-13.

Conditions:
Hypertrophic cardiomyopathy. Also called: HYPERTROPHIC MYOCARDIOPATHY. Identifiers: Orphanet 217569, MedGen C0007194, MeSH D002312, MONDO:0005045, HP:0001639.
Cardiovascular phenotype. Identifiers: MedGen CN230736.

Allele frequency attached by ClinVar (database versions not stated): gnomAD exomes below 0.00001 and 0.00001; ExAC 0.00003.
gnomAD v4.1: 3 of 1,578,134 alleles (0.00019%); highest among the groups gnomAD compares: African/African-American, 0.0027%; no homozygotes.

Submissions (2):

Labcorp Genetics (formerly Invitae), Labcorp
Classification: Uncertain significance for Hypertrophic cardiomyopathy. Last evaluated: 2025-12-13. Review status: criteria provided, single submitter. Criteria: Invitae Variant Classification Sherloc (09022015). Collection method: clinical testing. Allele origin: germline.
Comment: This sequence change affects codon 597 of the MYBPC3 mRNA. It is a 'silent' change, meaning that it does not change the encoded amino acid sequence of the MYBPC3 protein. It affects a nucleotide within the consensus splice site. This variant is present in population databases (rs772488845, gnomAD 0.01%). This variant has not been reported in the literature in individuals affected with MYBPC3-related conditions. ClinVar contains an entry for this variant (Variation ID: 1378787). Algorithms developed to predict the effect of sequence changes on RNA splicing suggest that this variant is not likely to affect RNA splicing. In summary, the available evidence is currently insufficient to determine the role of this variant in disease. Therefore, it has been classified as a Variant of Uncertain Significance.

Ambry Genetics
Classification: Likely benign for Cardiovascular phenotype. Last evaluated: 2025-11-19. Review status: criteria provided, single submitter. Criteria: Ambry Variant Classification Scheme 2023. Collection method: clinical testing. Allele origin: germline.

NM_000256.3(MYBPC3):c.1791G>C (p.Arg597=)

Gene: MYBPC3 (myosin binding protein C3; minus strand). Cytogenetic location: 11p11.2.
Variant type: single nucleotide variant.
Coding change: c.1791G>C on transcript NM_000256.3 (MANE Select); coding-DNA position 1791, G replaced by C.
Protein change: p.Arg597=; no amino-acid change (arginine 597 retained).
Molecular consequence: synonymous variant.
Genome position (GRCh38, 1-based): chr11:47,341,244, C>G on the plus strand (G>C on the coding strand, the complement: MYBPC3 is on the minus strand). VCF-style: chr11-47341244-C-G. GRCh37 (hg19) VCF-style: chr11-47362795-C-G.
Identifiers: ClinVar variation 1378787 (VCV001378787.11), dbSNP rs772488845, ClinGen allele CA078301.